The following is an entry in ClinVar:

ClinVar aggregate classification (germline): Uncertain significance (1 of 4 stars; one submission).

Allele frequency attached by ClinVar (database versions not stated): gnomAD exomes 0.00001; gnomAD 0.00003 and 0.00004; TOPMed 0.00003.
gnomAD v4.1: 13 of 1,483,080 alleles (0.00088%); highest among the groups gnomAD compares: African/African-American, 0.0014%; no homozygotes.

Submission:

Labcorp Genetics (formerly Invitae), Labcorp
Classification: Uncertain significance. Last evaluated: 2024-06-14. Review status: criteria provided, single submitter. Criteria: Invitae Variant Classification Sherloc (09022015). Collection method: clinical testing. Allele origin: germline.
Comment: This sequence change replaces glutamine, which is neutral and polar, with lysine, which is basic and polar, at codon 56 of the KCNK4 protein (p.Gln56Lys). This variant is present in population databases (no rsID available, gnomAD 0.007%). This variant has not been reported in the literature in individuals affected with KCNK4-related conditions. ClinVar contains an entry for this variant (Variation ID: 1511160). Algorithms developed to predict the effect of missense changes on protein structure and function output the following: SIFT: "Not Available"; PolyPhen-2: "Benign"; Align-GVGD: "Not Available". The lysine amino acid residue is found in multiple mammalian species, which suggests that this missense change does not adversely affect protein function. In summary, the available evidence is currently insufficient to determine the role of this variant in disease. Therefore, it has been classified as a Variant of Uncertain Significance.

NM_033310.3(KCNK4):c.166C>A (p.Gln56Lys)

Genes: KCNK4 (potassium two pore domain channel subfamily K member 4; plus strand), KCNK4-CATSPERZ (KCNK4-CATSPERZ readthrough (NMD candidate); plus strand). Cytogenetic location: 11q13.1.
Variant type: single nucleotide variant.
Coding change: c.166C>A on transcript NM_033310.3 (MANE Select); coding-DNA position 166, C replaced by A.
Protein change: p.Gln56Lys; replaces glutamine 56 with lysine.
Molecular consequence: missense variant. On other transcripts: non-coding transcript variant (2).
Genome position (GRCh38, 1-based): chr11:64,293,184, C>A. VCF-style: chr11-64293184-C-A. GRCh37 (hg19) VCF-style: chr11-64060656-C-A.
Other names: c.166C>A, p.Gln56Lys (NM_001317090.2); short protein forms Q56K.
Identifiers: ClinVar variation 1511160 (VCV001511160.8), dbSNP rs1000079532, ClinGen allele CA223876435.
Genomic context (GRCh38, chr11:64,293,184, plus strand): 5'-CAGAGGGAGCTGGGGGAGGTCCGAGAGAAGTTCCTGAGGGCCCATCCGTGTGTGAGCGAC[C>A]AGGAGCTGGGCCTCCTCATCAAGGTGCGTGGGTGGGCCGCAGCCCCTTCAGCTGTCACCC-3'
Protein context (NP_201567.1, residues 46-66): FLRAHPCVSD[Gln56Lys]ELGLLIKEVA